The following is an entry in ClinVar:

NM_000361.3(THBD):c.1124A>C (p.Glu375Ala)

Gene: THBD (thrombomodulin; minus strand). Cytogenetic location: 20p11.21.
Variant type: single nucleotide variant.
Coding change: c.1124A>C on transcript NM_000361.3 (MANE Select); coding-DNA position 1124, A replaced by C.
Protein change: p.Glu375Ala; replaces glutamic acid 375 with alanine.
Molecular consequence: missense variant.
Genome position (GRCh38, 1-based): chr20:23,048,381, T>G on the plus strand (A>C on the coding strand, the complement: THBD is on the minus strand). VCF-style: chr20-23048381-T-G. GRCh37 (hg19) VCF-style: chr20-23029018-T-G.
Other names: short protein forms E375A.
Identifiers: ClinVar variation 4280511 (VCV004280511.1).

ClinVar aggregate classification (germline): Uncertain significance (1 of 4 stars; one submission).

Conditions:
Thrombomodulin-related bleeding disorder (THPH12). Also called: Thrombophilia due to thrombomodulin defect. Identifiers: Orphanet 436169, MedGen C3280976, MONDO:0013775, OMIM 614486.

Submission:

Genomenon, Inc
Classification: Uncertain significance for Thrombomodulin-related bleeding disorder. Last evaluated: 2025-09-22. Review status: criteria provided, single submitter. Criteria: Genomenon Sequence Variant Interpretation Standards - Updated. Collection method: curation. Allele origin: germline. Affected: no.
Comment: THBD p.Glu375Ala (c.1124A>C) is a missense variant that changes the amino acid at residue 375 from Glutamic acid to Alanine. This variant has been reported in the published literature (PMID:8381415;10801821). It is absent or not present at a significant frequency in gnomAD. In conclusion, we classify THBD p.Glu375Ala (c.1124A>C) as a variant of unknown significance.

Literature cited by the submitters: PubMed 19625716; PubMed 20595690.